The following is an entry in ClinVar:

NM_005612.5(REST):c.1696G>A (p.Glu566Lys)

Gene: REST (RE1 silencing transcription factor; plus strand). Cytogenetic location: 4q12.
Variant type: single nucleotide variant.
Coding change: c.1696G>A on transcript NM_005612.5 (MANE Select); coding-DNA position 1696, G replaced by A.
Protein change: p.Glu566Lys; replaces glutamic acid 566 with lysine.
Molecular consequence: missense variant.
Genome position (GRCh38, 1-based): chr4:56,930,554, G>A. VCF-style: chr4-56930554-G-A. GRCh37 (hg19) VCF-style: chr4-57796720-G-A.
Other names: c.1696G>A, p.Glu566Lys (NM_001193508.2, NM_001363453.3); short protein forms E566K.
Identifiers: ClinVar variation 2842676 (VCV002842676.3), dbSNP rs2475850210, ClinGen allele CA357007208.
Genomic context (GRCh38, chr4:56,930,554, plus strand): 5'-AAGGTAGAAAGCAAATCCAAAAATAATAGTCAGGAAGTGCCAAAGGGTGACAGCAAAGTG[G>A]AGGAGAATAAAAAGCAAAATACTTGCATGAAAAAAAGTACAAAGAAGAAAACTCTGAAAA-3'
Protein context (NP_005603.3, residues 556-576): QEVPKGDSKV[Glu566Lys]ENKKQNTCMK

ClinVar aggregate classification (germline): Uncertain significance (1 of 4 stars; one submission).

Submission:

Labcorp Genetics (formerly Invitae), Labcorp
Classification: Uncertain significance. Last evaluated: 2023-03-03. Review status: criteria provided, single submitter. Criteria: Invitae Variant Classification Sherloc (09022015). Collection method: clinical testing. Allele origin: germline.
Comment: In summary, the available evidence is currently insufficient to determine the role of this variant in disease. Therefore, it has been classified as a Variant of Uncertain Significance. An algorithm developed to predict the effect of missense changes on protein structure and function (PolyPhen-2) suggests that this variant is likely to be disruptive. This variant has not been reported in the literature in individuals affected with REST-related conditions. This variant is not present in population databases (gnomAD no frequency). This sequence change replaces glutamic acid, which is acidic and polar, with lysine, which is basic and polar, at codon 566 of the REST protein (p.Glu566Lys).